The following is an entry in ClinVar:

NM_001754.5(RUNX1):c.1347G>C (p.Gln449His)

Gene: RUNX1 (RUNX family transcription factor 1; minus strand). Cytogenetic location: 21q22.12.
Variant type: single nucleotide variant.
Coding change: c.1347G>C on transcript NM_001754.5 (MANE Select); coding-DNA position 1347, G replaced by C.
Protein change: p.Gln449His; replaces glutamine 449 with histidine.
Molecular consequence: missense variant.
Genome position (GRCh38, 1-based): chr21:34,792,231, C>G on the plus strand (G>C on the coding strand, the complement: RUNX1 is on the minus strand). VCF-style: chr21-34792231-C-G. GRCh37 (hg19) VCF-style: chr21-36164528-C-G.
Other names: NM_001754.5(RUNX1):c.1347G>C; p.Gln449His; c.1266G>C, p.Gln422His (NM_001001890.3); short protein forms Q422H, Q449H.
Identifiers: ClinVar variation 1381966 (VCV001381966.9), dbSNP rs1463272999, ClinGen allele CA410147212.
Genomic context (GRCh38, chr21:34,792,231, plus strand): 5'-GGAGGGCGCCATGTTGGTGGGGGAGTTGCTGTGGCTGCCCTCGGCCTCCACCACGTCGCT[C>G]TGGTTCGGGAGGCTGGGGTTGAGCAGCGCGGAGCCGGTGGAGGCGTTGGTGCAGGGCGGC-3'
Protein context (NP_001745.2, residues 439-459): SALLNPSLPN[Gln449His]SDVVEAEGSH

ClinVar aggregate classification (germline): Uncertain significance. Review status: reviewed by expert panel (3 of 4 stars). 4 submissions from 4 submitters: Uncertain significance (1). 3 of the submissions do not count toward it. Last evaluated 2024-08-01.

Conditions:
Hereditary thrombocytopenia and hematologic cancer predisposition syndrome. Identifiers: Orphanet 71290, MedGen CN281654, MONDO:0011071.
Hereditary cancer-predisposing syndrome. Also called: Tumor predisposition; Neoplastic Syndromes, Hereditary; Hereditary Cancer Syndrome; Hereditary neoplastic syndrome. Identifiers: Orphanet 140162, MedGen C0027672, MeSH D009386, MONDO:0015356.
Inborn genetic diseases. Identifiers: MedGen C0950123, MeSH D030342.
Hereditary thrombocytopenia and hematological cancer predisposition syndrome associated with RUNX1. Also called: Familial Platelet Disorder with Propensity to Acute Myelogenous Leukemia; Familial thrombocytopenia with propensity to acute myelogenous leukemia; PLATELET DISORDER, ASPIRIN-LIKE; RUNX1 Familial Platelet Disorder with Associated Myeloid Malignancies. Identifiers: Orphanet 71290, MedGen C1832388, MeSH C563324, MONDO:0100083, OMIM 601399.

Allele frequency attached by ClinVar (database versions not stated): gnomAD exomes below 0.00001; gnomAD 0.00001.
gnomAD v4.1: 5 of 1,540,230 alleles (0.00032%); highest among the groups gnomAD compares: Non-Finnish European, 0.00044%; no homozygotes.

Submissions (4):

ClinGen Myeloid Malignancy Variant Curation Expert Panel
Classification: Uncertain significance for Hereditary thrombocytopenia and hematologic cancer predisposition syndrome. Last evaluated: 2024-08-01. Review status: reviewed by expert panel. Criteria: ClinGen MyeloMalig ACMG Specifications v2. Collection method: curation. Allele origin: germline. Inheritance: Autosomal dominant inheritance.
Comment: NM_001754.5(RUNX1):c.1347G>C (p.Gln449His) is a missense variant present in heterozygosis in a European (non-Finnish) individual with more than 20x coverage and a MAF of 0.000005807 in gnomAD v2.1.1 and 0.000006588 in gnomAD v3.1.2. In addition, it has a REVEL score <0.50 (0.226) (BP4), but functional studies are not available. Moreover, this variant has not been reported in other probands meeting at least one of the RUNX1-phenotypic criteria. In summary, the clinical significance of this variant is uncertain. ACMG/AMP criteria applied, as specified by the Myeloid Malignancy Variant Curation Expert Panel for RUNX1: BP4.

Labcorp Genetics (formerly Invitae), Labcorp
Classification: Uncertain significance for Hereditary thrombocytopenia and hematological cancer predisposition syndrome associated with RUNX1. Last evaluated: 2025-07-14. Review status: criteria provided, single submitter. Criteria: Invitae Variant Classification Sherloc (09022015). Collection method: clinical testing. Allele origin: germline. Not counted in ClinVar's aggregate classification.
Comment: This sequence change replaces glutamine, which is neutral and polar, with histidine, which is basic and polar, at codon 449 of the RUNX1 protein (p.Gln449His). This variant is present in population databases (no rsID available, gnomAD 0.001%). This variant has not been reported in the literature in individuals affected with RUNX1-related conditions. ClinVar contains an entry for this variant (Variation ID: 1381966). Invitae Evidence Modeling of protein sequence and biophysical properties (such as structural, functional, and spatial information, amino acid conservation, physicochemical variation, residue mobility, and thermodynamic stability) has been performed for this missense variant. However, the output from this modeling did not meet the statistical confidence thresholds required to predict the impact of this variant on RUNX1 protein function. In summary, the available evidence is currently insufficient to determine the role of this variant in disease. Therefore, it has been classified as a Variant of Uncertain Significance.

Ambry Genetics
Classification: Uncertain significance for Inborn genetic diseases. Last evaluated: 2024-12-08. Review status: criteria provided, single submitter. Criteria: Ambry Variant Classification Scheme 2023. Collection method: clinical testing. Allele origin: germline. Not counted in ClinVar's aggregate classification.
Comment: The p.Q449H variant (also known as c.1347G>C), located in coding exon 8 of the RUNX1 gene, results from a G to C substitution at nucleotide position 1347. The glutamine at codon 449 is replaced by histidine, an amino acid with highly similar properties. This amino acid position is conserved. In addition, this alteration is predicted to be tolerated by in silico analysis. Based on the available evidence, the clinical significance of this variant remains unclear.

Sema4
Classification: Uncertain significance for Hereditary cancer-predisposing syndrome. Last evaluated: 2022-01-21. Review status: criteria provided, single submitter. Criteria: Sema4 Curation Guidelines. Collection method: curation. Allele origin: germline. Not counted in ClinVar's aggregate classification.
Comment: The RUNX1 c.1347G>C (p.Q449H) variant has not been reported in the literature to our knowledge. This variant was observed in 1/172198 chromosomes across the different populations included in the Genome Aggregation Database (PMID: 32461654). The variant has not been reported in ClinVar. Functional studies have not been performed, and in silico predictions of the variant's effect on protein function are inconclusive. The evidence is insufficient to meet ACMG/AMP criteria for classifying the variant as benign or pathogenic. Thus, the clinical significance of this variant is currently uncertain.